The following is an entry in ClinVar:

ClinVar aggregate classification (germline): Likely benign. Review status: criteria provided, multiple submitters, no conflicts (2 of 4 stars). 5 submissions from 5 submitters: Likely benign (3). 2 of the submissions do not count toward it. Last evaluated 2026-01-09.

Conditions:
Inborn genetic diseases. Identifiers: MedGen C0950123, MeSH D030342.
VPS13B-related disorder. Also called: VPS13B-related condition.
Cohen syndrome (COH1). Also called: PEPPER SYNDROME; Cutis verticis gyrata, retinitis pigmentosa, and sensorineural deafness. Identifiers: Orphanet 193, MedGen C0265223, MONDO:0008999, OMIM 216550.

Allele frequency attached by ClinVar (database versions not stated): gnomAD 0.00001; TOPMed 0.00005; gnomAD exomes 0.00006 and 0.00013; ExAC 0.00008; 1000 Genomes Project 30x 0.00016; 1000 Genomes Project 0.00020.
gnomAD v4.1: 36 of 1,613,628 alleles (0.0022%); highest among the groups gnomAD compares: Admixed American, 0.058%; no homozygotes.

Submissions (5):

Labcorp Genetics (formerly Invitae), Labcorp
Classification: Likely benign for Cohen syndrome. Last evaluated: 2026-01-09. Review status: criteria provided, single submitter. Criteria: Invitae Variant Classification Sherloc (09022015). Collection method: clinical testing. Allele origin: germline.

Blueprint Genetics
Classification: Likely benign. Last evaluated: 2022-02-01. Review status: criteria provided, single submitter. Criteria: ACMG Guidelines, 2015. Collection method: clinical testing. Allele origin: germline.

Ambry Genetics
Classification: Likely benign for Inborn genetic diseases. Last evaluated: 2017-09-21. Review status: criteria provided, single submitter. Criteria: Ambry Variant Classification Scheme 2023. Collection method: clinical testing. Allele origin: germline.

PreventionGenetics, part of Exact Sciences
Classification: Likely benign for VPS13B-related condition. Last evaluated: 2021-06-02. Review status: no assertion criteria provided. Collection method: clinical testing. Allele origin: germline. Not counted in ClinVar's aggregate classification.
Comment: This variant is classified as likely benign based on ACMG/AMP sequence variant interpretation guidelines (Richards et al. 2015 PMID: 25741868, with internal and published modifications).

Natera, Inc.
Classification: Uncertain significance for Cohen syndrome. Last evaluated: 2020-01-24. Review status: no assertion criteria provided. Collection method: clinical testing. Allele origin: germline. Not counted in ClinVar's aggregate classification.

NM_152564.5(VPS13B):c.11040C>T (p.Ser3680=)

Gene: VPS13B (vacuolar protein sorting 13 homolog B; plus strand). Cytogenetic location: 8q22.2.
Variant type: single nucleotide variant.
Coding change: c.11040C>T on transcript NM_152564.5 (MANE Select); coding-DNA position 11040, C replaced by T.
Protein change: p.Ser3680=; no amino-acid change (serine 3680 retained).
Molecular consequence: synonymous variant.
Genome position (GRCh38, 1-based): chr8:99,859,476, C>T. VCF-style: chr8-99859476-C-T. GRCh37 (hg19) VCF-style: chr8-100871704-C-T.
Other names: c.11115C>T, p.Ser3705= (NM_017890.5); c.11040C>T (NM_152564.4).
Identifiers: ClinVar variation 767594 (VCV000767594.17), dbSNP rs199748413, ClinGen allele CA4825100.